The following is an entry in ClinVar:

ClinVar aggregate classification (germline): Conflicting classifications of pathogenicity. Review status: criteria provided, conflicting classifications (1 of 4 stars). 3 submissions from 3 submitters: Uncertain significance (2); Likely benign (1). Last evaluated 2024-04-08.

Conditions:
Hyperaldosteronism, familial, type IV (HALD4). Also called: FH IV; ALDOSTERONISM, PRIMARY, AND HYPERTENSION. Identifiers: Orphanet 642671, MedGen C4310756, MONDO:0014875, OMIM 617027.
Idiopathic generalized epilepsy. Also called: Generalised epilepsy; EIG. Identifiers: MedGen C0270850, MONDO:0005579, OMIM 600669.
Epilepsy, childhood absence, susceptibility to, 6. Identifiers: Orphanet 64280, MedGen C2749872, MONDO:0012763, OMIM 611942.

gnomAD v4.1: 24 of 1,612,986 alleles (0.0015%); highest among the groups gnomAD compares: Middle Eastern, 0.016%; no homozygotes.

Submissions (3):

Fulgent Genetics
Classification: Uncertain significance for Epilepsy, childhood absence, susceptibility to, 6; Hyperaldosteronism, familial, type IV. Last evaluated: 2024-04-08. Review status: criteria provided, single submitter. Criteria: ACMG Guidelines, 2015. Collection method: clinical testing. Allele origin: germline.

Labcorp Genetics (formerly Invitae), Labcorp
Classification: Likely benign for Idiopathic generalized epilepsy; Hyperaldosteronism, familial, type IV. Last evaluated: 2023-05-22. Review status: criteria provided, single submitter. Criteria: Invitae Variant Classification Sherloc (09022015). Collection method: clinical testing. Allele origin: germline.

GeneDx
Classification: Uncertain significance. Last evaluated: 2019-04-12. Review status: criteria provided, single submitter. Criteria: GeneDx Variant Classification Process June 2021. Collection method: clinical testing. Allele origin: germline. Affected: yes.
Comment: Has not been previously published as pathogenic or benign to our knowledge; Not observed at a significant frequency in large population cohorts (Lek et al., 2016); In silico analysis, which includes protein predictors and evolutionary conservation, supports that this variant does not alter protein structure/function

NM_021098.3(CACNA1H):c.577G>A (p.Val193Met)

Gene: CACNA1H (calcium voltage-gated channel subunit alpha1 H; plus strand). Cytogenetic location: 16p13.3.
Variant type: single nucleotide variant.
Coding change: c.577G>A on transcript NM_021098.3 (MANE Select); coding-DNA position 577, G replaced by A.
Protein change: p.Val193Met; replaces valine 193 with methionine.
Molecular consequence: missense variant.
Genome position (GRCh38, 1-based): chr16:1,195,957, G>A. VCF-style: chr16-1195957-G-A. GRCh37 (hg19) VCF-style: chr16-1245957-G-A.
Other names: c.577G>A, p.Val193Met (NM_001005407.2); short protein forms V193M.
Identifiers: ClinVar variation 1319048 (VCV001319048.7), dbSNP rs778637721, ClinGen allele CA7799499.